The following is an entry in ClinVar:

ClinVar aggregate classification (germline): Conflicting classifications of pathogenicity. Review status: criteria provided, conflicting classifications (1 of 4 stars). 7 submissions from 7 submitters: Uncertain significance (6); Likely benign (1). Last evaluated 2026-01-05.

Conditions:
COL6A3-related disorder. Also called: COL6A3-related condition; COL6A3-related disorders.
Bethlem myopathy 1A. Also called: Bethlem myopathy 1; MYOPATHY, BENIGN CONGENITAL, WITH CONTRACTURES; Bethlem Muscular Dystrophy. Identifiers: Orphanet 610, MedGen CN029274, MONDO:0024530, OMIM 158810.

Allele frequency attached by ClinVar (database versions not stated): TOPMed 0.00020; gnomAD exomes 0.00023 and 0.00029; gnomAD 0.00024 and 0.00025; ESP Exome Variant Server 0.00031; ExAC 0.00038; 1000 Genomes Project 0.00080; 1000 Genomes Project 30x 0.00094.
gnomAD v4.1: 381 of 1,614,030 alleles (0.024%); highest among the groups gnomAD compares: Non-Finnish European, 0.025%; no homozygotes.

Submissions (7):

Labcorp Genetics (formerly Invitae), Labcorp
Classification: Likely benign for Bethlem myopathy 1A. Last evaluated: 2026-01-05. Review status: criteria provided, single submitter. Criteria: Invitae Variant Classification Sherloc (09022015). Collection method: clinical testing. Allele origin: germline.

Revvity Omics, Revvity
Classification: Uncertain significance. Last evaluated: 2024-07-05. Review status: criteria provided, single submitter. Criteria: ACMG Guidelines, 2015. Collection method: clinical testing. Allele origin: germline.

Mayo Clinic Laboratories, Mayo Clinic
Classification: Uncertain significance. Last evaluated: 2024-02-20. Review status: criteria provided, single submitter. Criteria: ACMG Guidelines, 2015. Collection method: clinical testing. Allele origin: germline. Observed: 2 variant alleles.

Women's Health and Genetics/Laboratory Corporation of America, LabCorp
Classification: Uncertain significance. Last evaluated: 2023-12-14. Review status: criteria provided, single submitter. Criteria: LabCorp Variant Classification Summary - May 2015. Collection method: clinical testing. Allele origin: germline.
Comment: Variant summary: COL6A3 c.8978G>A (p.Arg2993His) results in a non-conservative amino acid change located in the Fibronectin type III domain (IPR003961) of the encoded protein sequence. Three of five in-silico tools predict a benign effect of the variant on protein function. The variant allele was found at a frequency of 0.00029 in 251564 control chromosomes. It was also identified in at least one control individual from a case-control study (Zech_2015). To our knowledge, no occurrence of c.8978G>A in individuals affected with Ullrich Congenital Muscular Dystrophy 1 and no experimental evidence demonstrating its impact on protein function have been reported. The following publication has been ascertained in the context of this evaluation (PMID: 26004199). Five submitters have cited clinical-significance assessments for this variant to ClinVar after 2014; four submitters classified the variant as uncertain significance, while one classified it as likely benign. Based on the evidence outlined above, the variant was classified as uncertain significance.

PreventionGenetics, part of Exact Sciences
Classification: Uncertain significance for COL6A3-related condition. Last evaluated: 2023-01-10. Review status: criteria provided, single submitter. Criteria: ACMG Guidelines, 2015. Collection method: clinical testing. Allele origin: germline.
Comment: The COL6A3 c.8978G>A variant is predicted to result in the amino acid substitution p.Arg2993His. To our knowledge, this variant has not been reported in the literature. This variant is reported in 0.072% of alleles in individuals of European (Finnish) descent in gnomAD. Although we suspect that this variant may be benign, at this time, the clinical significance of this variant is uncertain due to the absence of conclusive functional and genetic evidence.

GeneDx
Classification: Uncertain significance. Last evaluated: 2018-05-07. Review status: criteria provided, single submitter. Criteria: GeneDx Variant Classification (06012015). Collection method: clinical testing. Allele origin: germline. Affected: yes.
Comment: The R2993H variant in the COL6A3 gene has not been reported previously as a pathogenic variant, nor as a benign variant, to our knowledge. The R2993H variant is observed in 15/25792 (0.058%) alleles from individuals of Finnish background, and 75/276520 total alleles in large population cohorts and no individuals were reported to be homozygous (Lek et al., 2016). The R2993H variant is a conservative amino acid substitution, which is not likely to impact secondary protein structure as these residues share similar properties. In-silico analyses, including protein predictors and evolutionary conservation, support that this variant does not alter protein structure/function. We interpret R2993H as a variant of uncertain significance.

Eurofins Ntd Llc (ga)
Classification: Uncertain significance. Last evaluated: 2017-10-04. Review status: criteria provided, single submitter. Criteria: EGL Classification Definitions 2015. Collection method: clinical testing. Allele origin: germline. Observed: 3 variant alleles, 3 heterozygotes.

Literature cited by the submitters: PubMed 26004199 (cited by Mayo Clinic Laboratories, Mayo Clinic and Women's Health and Genetics/Laboratory Corporation of America, LabCorp).

NM_004369.4(COL6A3):c.8978G>A (p.Arg2993His)

Gene: COL6A3 (collagen type VI alpha 3 chain; minus strand). Cytogenetic location: 2q37.3.
Variant type: single nucleotide variant.
Coding change: c.8978G>A on transcript NM_004369.4 (MANE Select); coding-DNA position 8978, G replaced by A.
Protein change: p.Arg2993His; replaces arginine 2993 with histidine.
Molecular consequence: missense variant.
Genome position (GRCh38, 1-based): chr2:237,334,877, C>T on the plus strand (G>A on the coding strand, the complement: COL6A3 is on the minus strand). VCF-style: chr2-237334877-C-T. GRCh37 (hg19) VCF-style: chr2-238243520-C-T.
Other names: p.Arg2993His; c.7157G>A, p.Arg2386His (NM_057166.5); c.8360G>A, p.Arg2787His (NM_057167.4); short protein forms R2993H, R2787H, R2386H.
Identifiers: ClinVar variation 283753 (VCV000283753.21), dbSNP rs201888442, ClinGen allele CA2187389.